The following is an entry in ClinVar:

NM_001048174.2(MUTYH):c.849+6C>A

Gene: MUTYH (mutY DNA glycosylase; minus strand). Cytogenetic location: 1p34.1.
Variant type: single nucleotide variant.
Coding change: c.849+6C>A on transcript NM_001048174.2 (MANE Select); 6 bases into the intron after coding-DNA position 849, C replaced by A.
Molecular consequence: intron variant.
Genome position (GRCh38, 1-based): chr1:45,332,160, G>T on the plus strand (C>A on the coding strand, the complement: MUTYH is on the minus strand). VCF-style: chr1-45332160-G-T. GRCh37 (hg19) VCF-style: chr1-45797832-G-T.
Other names: c.504+6C>A (NM_001350651.2, NM_001350650.2); c.573+6C>A (NM_001293192.2, NM_001293196.2); c.849+6C>A (NM_001048171.2, NM_001048173.2, NM_001293195.2); c.894+6C>A (NM_001293190.2); c.924+6C>A (NM_012222.3); c.933+6C>A (NM_001128425.2); c.852+6C>A (NM_001048172.2); c.882+6C>A (NM_001293191.2).
Identifiers: ClinVar variation 658360 (VCV000658360.11), dbSNP rs1570398280, ClinGen allele CA915941270.
Genomic context (GRCh38, chr1:45,332,160, plus strand): 5'-GGTTGAGTGTCATAGGGCAGAGTCACTCCTTAGGACTTCTCACTGCCCCTTCCCCAGTAG[G>T]CTTACTCTCTGGCGTGCCCGGCACAGGCTCTCCACAGGGCACTGGCTGCACAGTGGGCGC-3'

ClinVar aggregate classification (germline): Uncertain significance. Review status: criteria provided, multiple submitters, no conflicts (2 of 4 stars). 2 submissions from 2 submitters: Uncertain significance (2). Last evaluated 2025-06-02.

Conditions:
Hereditary cancer-predisposing syndrome. Also called: Tumor predisposition; Neoplastic Syndromes, Hereditary; Hereditary Cancer Syndrome; Hereditary neoplastic syndrome. Identifiers: Orphanet 140162, MedGen C0027672, MeSH D009386, MONDO:0015356.
Familial adenomatous polyposis 2. Also called: COLORECTAL ADENOMATOUS POLYPOSIS, AUTOSOMAL RECESSIVE; ADENOMAS, MULTIPLE COLORECTAL, AUTOSOMAL RECESSIVE; MYH-associated polyposis; MUTYH Polyposis; Adenomas, multiple colorectal; MUTYH-associated polyposis. Identifiers: Orphanet 220460, Orphanet 247798, MedGen C3272841, MONDO:0012041, OMIM 608456.

Submissions (2):

Labcorp Genetics (formerly Invitae), Labcorp
Classification: Uncertain significance for Familial adenomatous polyposis 2. Last evaluated: 2025-06-02. Review status: criteria provided, single submitter. Criteria: Invitae Variant Classification Sherloc (09022015). Collection method: clinical testing. Allele origin: germline.
Comment: This sequence change falls in intron 10 of the MUTYH gene. It does not directly change the encoded amino acid sequence of the MUTYH protein. It affects a nucleotide within the consensus splice site. This variant is not present in population databases (gnomAD no frequency). This variant has not been reported in the literature in individuals affected with MUTYH-related conditions. ClinVar contains an entry for this variant (Variation ID: 658360). Variants that disrupt the consensus splice site are a relatively common cause of aberrant splicing (PMID: 17576681, 9536098). Algorithms developed to predict the effect of sequence changes on RNA splicing suggest that this variant is not likely to affect RNA splicing. In summary, the available evidence is currently insufficient to determine the role of this variant in disease. Therefore, it has been classified as a Variant of Uncertain Significance.

Color Diagnostics, LLC DBA Color Health
Classification: Uncertain significance for Hereditary cancer-predisposing syndrome. Last evaluated: 2020-11-09. Review status: criteria provided, single submitter. Criteria: ACMG Guidelines, 2015. Collection method: clinical testing. Allele origin: germline.
Comment: This variant causes a C to A nucleotide substitution at the +6 position of intron 10 of the MUTYH gene. To our knowledge, functional studies have not been reported for this variant. This variant has not been reported in individuals affected with hereditary cancer in the literature. This variant has not been identified in the general population by the Genome Aggregation Database (gnomAD). The available evidence is insufficient to determine the role of this variant in disease conclusively. Therefore, this variant is classified as a Variant of Uncertain Significance.

Literature cited by the submitters: PubMed 17576681 (cited by Labcorp Genetics (formerly Invitae), Labcorp); PubMed 9536098 (cited by Labcorp Genetics (formerly Invitae), Labcorp).